The following is an entry in ClinVar:

ClinVar aggregate classification (germline): Likely benign (0 of 4 stars; one submission).

Conditions:
PPP2R3A-related disorder. Also called: PPP2R3A-related condition.

Allele frequency attached by ClinVar (database versions not stated): TOPMed 0.00006; ExAC 0.00007; gnomAD 0.00007; gnomAD exomes 0.00007; ESP Exome Variant Server 0.00015.
gnomAD v4.1: 113 of 1,613,914 alleles (0.007%); highest among the groups gnomAD compares: Admixed American, 0.01%; no homozygotes.

Submission:

PreventionGenetics, part of Exact Sciences
Classification: Likely benign for PPP2R3A-related condition. Last evaluated: 2019-05-20. Review status: no assertion criteria provided. Collection method: clinical testing. Allele origin: germline.
Comment: This variant is classified as likely benign based on ACMG/AMP sequence variant interpretation guidelines (Richards et al. 2015 PMID: 25741868, with internal and published modifications).

NM_002718.5(PPP2R3A):c.1845A>G (p.Leu615=)

Gene: PPP2R3A (protein phosphatase 2 regulatory subunit B''alpha; plus strand). Cytogenetic location: 3q22.3.
Variant type: single nucleotide variant.
Coding change: c.1845A>G on transcript NM_002718.5 (MANE Select); coding-DNA position 1845, A replaced by G.
Protein change: p.Leu615=; no amino-acid change (leucine 615 retained).
Molecular consequence: synonymous variant. On other transcripts: intron variant (1).
Genome position (GRCh38, 1-based): chr3:136,003,343, A>G. VCF-style: chr3-136003343-A-G. GRCh37 (hg19) VCF-style: chr3-135722185-A-G.
Other names: c.-213-23489A>G (NM_001190447.2).
Identifiers: ClinVar variation 3041341 (VCV003041341.2), dbSNP rs138504743, ClinGen allele CA2630643.